The following is an entry in ClinVar:

ClinVar aggregate classification (germline): Likely pathogenic (1 of 4 stars; one submission).

Conditions:
MEGF10-related myopathy (CMYO10A). Also called: Congenital myopathy 10A, severe variant. Identifiers: Orphanet 439212, MedGen C3280679, MONDO:0013731, OMIM 614399.

Allele frequency attached by ClinVar (database versions not stated): gnomAD 0.00001; TOPMed 0.00002.
gnomAD v4.1: 7 of 1,610,646 alleles (0.00043%); highest among the groups gnomAD compares: Middle Eastern, 0.016%; no homozygotes.

Submission:

Labcorp Genetics (formerly Invitae), Labcorp
Classification: Likely pathogenic for MEGF10-related myopathy. Last evaluated: 2024-04-23. Review status: criteria provided, single submitter. Criteria: Invitae Variant Classification Sherloc (09022015). Collection method: clinical testing. Allele origin: germline.
Comment: This sequence change affects a donor splice site in intron 5 of the MEGF10 gene. It is expected to disrupt RNA splicing. Variants that disrupt the donor or acceptor splice site typically lead to a loss of protein function (PMID: 16199547), and loss-of-function variants in MEGF10 are known to be pathogenic (PMID: 22101682, 22371254, 23453856, 23954233). This variant is not present in population databases (gnomAD no frequency). This variant has not been reported in the literature in individuals affected with MEGF10-related conditions. ClinVar contains an entry for this variant (Variation ID: 2195238). Algorithms developed to predict the effect of sequence changes on RNA splicing suggest that this variant may disrupt the consensus splice site. In summary, the currently available evidence indicates that the variant is pathogenic, but additional data are needed to prove that conclusively. Therefore, this variant has been classified as Likely Pathogenic.

Literature cited by the submitters: PubMed 16199547; PubMed 22101682; PubMed 22371254; PubMed 23453856; PubMed 23954233.

NM_001256545.2(MEGF10):c.319+1G>A

Gene: MEGF10 (multiple EGF like domains 10; plus strand). Cytogenetic location: 5q23.2.
Variant type: single nucleotide variant.
Coding change: c.319+1G>A on transcript NM_001256545.2 (MANE Select); the canonical splice donor site of the intron after coding-DNA position 319, G replaced by A.
Molecular consequence: splice donor variant.
Genome position (GRCh38, 1-based): chr5:127,340,631, G>A. VCF-style: chr5-127340631-G-A. GRCh37 (hg19) VCF-style: chr5-126676323-G-A.
Other names: c.319+1G>A (NM_032446.3, NM_001308119.2, NM_001308121.2).
Identifiers: ClinVar variation 2195238 (VCV002195238.4), dbSNP rs931073338, ClinGen allele CA127484630.